The following is an entry in ClinVar:

ClinVar aggregate classification (germline): Pathogenic. Review status: criteria provided, multiple submitters, no conflicts (2 of 4 stars). 3 submissions from 3 submitters: Pathogenic (3). Last evaluated 2024-11-25.

Conditions:
DMD-related disorder. Also called: DMD-related condition.
Duchenne muscular dystrophy (DMD). Also called: MUSCULAR DYSTROPHY, PSEUDOHYPERTROPHIC PROGRESSIVE, DUCHENNE TYPE; Duchenne Muscular Dystrophy (DMD). Identifiers: Orphanet 98896, MedGen C0013264, MONDO:0010679, OMIM 310200.
Dilated cardiomyopathy 3B (CMD3B). Also called: CMD3B: DMD-Related Dilated Cardiomyopathy; CARDIOMYOPATHY, DILATED, X-LINKED; DMD-Associated Dilated Cardiomyopathy. Identifiers: Orphanet 154, MedGen C3668940, MONDO:0010542, OMIM 302045.
Becker muscular dystrophy (BMD). Also called: MUSCULAR DYSTROPHY, PSEUDOHYPERTROPHIC PROGRESSIVE, BECKER TYPE; Becker Muscular Dystrophy (BMD). Identifiers: Orphanet 98895, MedGen C0917713, MONDO:0010311, OMIM 300376.

Submissions (3):

Blueprint Genetics
Classification: Pathogenic for DMD-related disorders. Last evaluated: 2024-11-25. Review status: criteria provided, single submitter. Criteria: ACMG Guidelines, 2015. Collection method: clinical testing. Allele origin: germline. Affected: yes. Observed: 1 variant allele.

Labcorp Genetics (formerly Invitae), Labcorp
Classification: Pathogenic for Duchenne muscular dystrophy. Last evaluated: 2024-04-06. Review status: criteria provided, single submitter. Criteria: Invitae Variant Classification Sherloc (09022015). Collection method: clinical testing. Allele origin: germline.
Comment: This sequence change affects an acceptor splice site in intron 20 of the DMD gene. It is expected to disrupt RNA splicing. Variants that disrupt the donor or acceptor splice site typically lead to a loss of protein function (PMID: 16199547), and loss-of-function variants in DMD are known to be pathogenic (PMID: 16770791, 25007885). This variant is not present in population databases (gnomAD no frequency). Disruption of this splice site has been observed in individual(s) with DMD-related conditions (PMID: 20485447, 27593222). Algorithms developed to predict the effect of sequence changes on RNA splicing suggest that this variant may disrupt the consensus splice site. For these reasons, this variant has been classified as Pathogenic.

Juno Genomics, Hangzhou Juno Genomics, Inc
Classification: Pathogenic for Becker muscular dystrophy; Dilated cardiomyopathy 3B; Duchenne muscular dystrophy. Review status: criteria provided, single submitter. Criteria: ACMG Guidelines, 2015. Collection method: clinical testing. Allele origin: germline. Affected: yes.
Comment: Null variant in a gene where loss of function (LOF) is a known mechanism of disease.;Absent from controls (or at extremely low frequency if recessive) in Genome Aggregation Database, Exome Sequencing Project, 1000 Genomes Project, or Exome Aggregation Consortium.;The prevalence of the variant in affected individuals is significantly increased compared to the prevalence in controls.

Literature cited by the submitters: PubMed 16199547 (cited by Labcorp Genetics (formerly Invitae), Labcorp); PubMed 16770791 (cited by Labcorp Genetics (formerly Invitae), Labcorp); PubMed 25007885 (cited by Labcorp Genetics (formerly Invitae), Labcorp); PubMed 20485447 (cited by Labcorp Genetics (formerly Invitae), Labcorp); PubMed 27593222 (cited by Labcorp Genetics (formerly Invitae), Labcorp).

NM_004006.3(DMD):c.2623-2A>G

Gene: DMD (dystrophin; minus strand). Cytogenetic location: Xp21.1.
Variant type: single nucleotide variant.
Coding change: c.2623-2A>G on transcript NM_004006.3 (MANE Select); the canonical splice acceptor site of the intron before coding-DNA position 2623, A replaced by G.
Molecular consequence: splice acceptor variant.
Genome position (GRCh38, 1-based): chrX:32,485,101, T>C on the plus strand (A>G on the coding strand, the complement: DMD is on the minus strand). VCF-style: chrX-32485101-T-C. GRCh37 (hg19) VCF-style: chrX-32503218-T-C.
Other names: c.2599-2A>G (NM_000109.4); c.2611-2A>G (NM_004009.3); c.2254-2A>G (NM_004010.3).
Identifiers: ClinVar variation 2737168 (VCV002737168.6), dbSNP rs2148584710, ClinGen allele CA412671192.